The following is an entry in ClinVar:

NM_021930.6(RINT1):c.993C>T (p.Ser331=)

Gene: RINT1 (RAD50 interactor 1; plus strand). Cytogenetic location: 7q22.3.
Variant type: single nucleotide variant.
Coding change: c.993C>T on transcript NM_021930.6 (MANE Select); coding-DNA position 993, C replaced by T.
Protein change: p.Ser331=; no amino-acid change (serine 331 retained).
Molecular consequence: synonymous variant. On other transcripts: 5 prime UTR variant (1), non-coding transcript variant (1), intron variant (1).
Genome position (GRCh38, 1-based): chr7:105,548,707, C>T. VCF-style: chr7-105548707-C-T. GRCh37 (hg19) VCF-style: chr7-105189154-C-T.
Other names: c.759C>T, p.Ser253= (NM_001346599.2); c.-27C>T (NM_001346600.2); c.69C>T, p.Ser23= (NM_001346601.2); c.-27-1348C>T (NM_001346603.2).
Identifiers: ClinVar variation 3227678 (VCV003227678.1), dbSNP rs2485128239, ClinGen allele CA457050759.
Genomic context (GRCh38, chr7:105,548,707, plus strand): 5'-TCCTCTTCAGAAGAGGTTCAGGTATCACTTCAGAGGGAACCGGCAGACTAATGTGTTAAG[C>T]AAGGTGTGTTTTGCCAGCTCTTGTCCTTGGTTTTTATTGGTAACAAATGTTAGAGTTTCT-3'
Protein context (NP_068749.3, residues 321-341): FRGNRQTNVL[Ser331=]KPEWYLAQVL

ClinVar aggregate classification (germline): Uncertain significance (1 of 4 stars; one submission).

Submission:

Ambry Genetics
Classification: Uncertain significance. Last evaluated: 2023-09-20. Review status: criteria provided, single submitter. Criteria: Ambry Variant Classification Scheme 2023. Collection method: clinical testing. Allele origin: germline.
Comment: The c.993C>T variant (also known as p.S331S), located in coding exon 7 of the RINT1 gene, results from a C to T substitution at nucleotide position 993. This nucleotide substitution does not change the serine at codon 331. This nucleotide position is well conserved in available vertebrate species. In silico splice site analysis for this alteration is inconclusive. The evidence for this gene-disease relationship is limited; therefore, the clinical significance of this alteration is unclear.